The following is an entry in ClinVar:

ClinVar aggregate classification (germline): Conflicting classifications of pathogenicity. Review status: criteria provided, conflicting classifications (1 of 4 stars). 2 submissions from 2 submitters: Uncertain significance (1); Likely benign (1). Last evaluated 2025-01-06.

Submissions (2):

Labcorp Genetics (formerly Invitae), Labcorp
Classification: Likely benign. Last evaluated: 2025-01-06. Review status: criteria provided, single submitter. Criteria: Invitae Variant Classification Sherloc (09022015). Collection method: clinical testing. Allele origin: germline.

GeneDx
Classification: Uncertain significance. Last evaluated: 2023-02-22. Review status: criteria provided, single submitter. Criteria: GeneDx Variant Classification Process June 2021. Collection method: clinical testing. Allele origin: germline. Affected: yes.
Comment: In-frame deletion of one amino acid in a non-repeat region; In silico analysis supports a deleterious effect on protein structure/function; Has not been previously published as pathogenic or benign to our knowledge

NM_015559.3(SETBP1):c.3900GAG[1] (p.Arg1301del)

Gene: SETBP1 (SET binding protein 1; plus strand). Cytogenetic location: 18q12.3.
Variant type: Microsatellite.
Coding change: c.3900GAG[1] on transcript NM_015559.3 (MANE Select); one copy of the 3-base unit GAG starting at c.3900; the reference has two copies in a row; one copy, 3 bases deleted; also written c.3903_3905del.
Protein change: p.Arg1301del; deletes arginine 1301.
Molecular consequence: inframe deletion.
Genome position (GRCh38, 1-based): chr18:44,953,243-44,953,245, GAG deleted; deleting any 3 consecutive bases within chr18:44,953,238-44,953,245 gives the same sequence; the position shown is the placement nearest the transcript's 3' end. VCF-style (leftmost placement, unchanged base first): chr18-44953237-AAGG-A. GRCh37 (hg19) VCF-style: chr18-42533202-AAGG-A.
Other names: c.3903_3905del (NM_015559.2); c.3900GAG[1], p.Arg1301del (NM_001379141.1, NM_001379142.1); short protein forms R1301del.
Identifiers: ClinVar variation 1360759 (VCV001360759.6), dbSNP rs754546927, ClinGen allele CA8946014.